The following is an entry in ClinVar:

ClinVar aggregate classification (germline): Uncertain significance. Review status: criteria provided, multiple submitters, no conflicts (2 of 4 stars). 3 submissions from 3 submitters: Uncertain significance (3). Last evaluated 2023-11-27.

Conditions:
Asphyxiating thoracic dystrophy 2 (SRTD2). Also called: SHORT-RIB THORACIC DYSPLASIA 2 WITH POLYDACTYLY; SHORT-RIB THORACIC DYSPLASIA 2 WITHOUT POLYDACTYLY; SHORT-RIB THORACIC DYSPLASIA 2 WITH OR WITHOUT POLYDACTYLY. Identifiers: Orphanet 474, MedGen C1970005, MONDO:0012644, OMIM 611263.
Inborn genetic diseases. Identifiers: MedGen C0950123, MeSH D030342.
Jeune thoracic dystrophy. Also called: Jeune syndrome; Infantile thoracic dystrophy; Thoracic pelvic phalangeal dystrophy; Jeune's syndrome; Chondroectodermal dysplasia-like syndrome; Short-rib thoracic dysplasia. Identifiers: Orphanet 474, MedGen C0265275, MONDO:0018770.

Allele frequency attached by ClinVar (database versions not stated): gnomAD exomes 0.00001 and 0.00007; TOPMed 0.00003; gnomAD 0.00004; ExAC 0.00007.
gnomAD v4.1: 23 of 1,613,670 alleles (0.0014%); highest among the groups gnomAD compares: East Asian, 0.04%; no homozygotes.

Submissions (3):

Labcorp Genetics (formerly Invitae), Labcorp
Classification: Uncertain significance for Jeune thoracic dystrophy. Last evaluated: 2023-11-27. Review status: criteria provided, single submitter. Criteria: Invitae Variant Classification Sherloc (09022015). Collection method: clinical testing. Allele origin: germline.
Comment: This sequence change replaces glycine, which is neutral and non-polar, with aspartic acid, which is acidic and polar, at codon 70 of the IFT80 protein (p.Gly70Asp). This variant is present in population databases (rs752892324, gnomAD 0.09%). This variant has not been reported in the literature in individuals affected with IFT80-related conditions. ClinVar contains an entry for this variant (Variation ID: 903010). Advanced modeling of protein sequence and biophysical properties (such as structural, functional, and spatial information, amino acid conservation, physicochemical variation, residue mobility, and thermodynamic stability) performed at Invitae indicates that this missense variant is expected to disrupt IFT80 protein function with a positive predictive value of 80%. In summary, the available evidence is currently insufficient to determine the role of this variant in disease. Therefore, it has been classified as a Variant of Uncertain Significance.

Ambry Genetics
Classification: Uncertain significance for Inborn genetic diseases. Last evaluated: 2023-02-15. Review status: criteria provided, single submitter. Criteria: Ambry Variant Classification Scheme 2023. Collection method: clinical testing. Allele origin: germline.

Illumina Laboratory Services, Illumina
Classification: Uncertain significance for Asphyxiating thoracic dystrophy 2. Last evaluated: 2018-01-13. Review status: criteria provided, single submitter. Criteria: ICSL Variant Classification Criteria 13 December 2019. Collection method: clinical testing. Allele origin: germline.

NM_020800.3(IFT80):c.209G>A (p.Gly70Asp)

Genes: IFT80 (intraflagellar transport 80; minus strand), TRIM59-IFT80 (TRIM59-IFT80 readthrough (NMD candidate); minus strand). Cytogenetic location: 3q25.33.
Variant type: single nucleotide variant.
Coding change: c.209G>A on transcript NM_020800.3 (MANE Select); coding-DNA position 209, G replaced by A.
Protein change: p.Gly70Asp; replaces glycine 70 with aspartic acid.
Molecular consequence: missense variant. On other transcripts: non-coding transcript variant (2), 5 prime UTR variant (2).
Genome position (GRCh38, 1-based): chr3:160,381,553, C>T on the plus strand (G>A on the coding strand, the complement: IFT80 is on the minus strand). VCF-style: chr3-160381553-C-T. GRCh37 (hg19) VCF-style: chr3-160099341-C-T.
Other names: c.-203G>A (NM_001190241.2, NM_001190242.2); short protein forms G70D.
Identifiers: ClinVar variation 903010 (VCV000903010.10), dbSNP rs752892324, ClinGen allele CA2685562.